The following is an entry in ClinVar:

NM_032447.5(FBN3):c.4737C>T (p.Cys1579=)

Gene: FBN3 (fibrillin 3; minus strand). Cytogenetic location: 19p13.2.
Variant type: single nucleotide variant.
Coding change: c.4737C>T on transcript NM_032447.5 (MANE Select); coding-DNA position 4737, C replaced by T.
Protein change: p.Cys1579=; no amino-acid change (cysteine 1579 retained).
Molecular consequence: synonymous variant.
Genome position (GRCh38, 1-based): chr19:8,106,184, G>A on the plus strand (C>T on the coding strand, the complement: FBN3 is on the minus strand). VCF-style: chr19-8106184-G-A. GRCh37 (hg19) VCF-style: chr19-8171068-G-A.
Other names: c.4737C>T (NM_001321431.1); c.4737C>T, p.Cys1579= (NM_001321431.2).
Identifiers: ClinVar variation 1601745 (VCV001601745.11), dbSNP rs7258713, ClinGen allele CA9151938.
Genomic context (GRCh38, chr19:8,106,184, plus strand): 5'-GTGCTCACTGAGGTGGTAGCCAGGTGGGCACTCACACTGGAAACTGCCAAACGTGTTGAC[G>A]CAGTCACCCCCCTGACACAGCCCTGGCAGCTCTTGGCACTCGTCGATGTCTGTCAGGAAG-3'
Protein context (NP_115823.3, residues 1569-1589): ELPGLCQGGD[Cys1579=]VNTFGSFQCE

ClinVar aggregate classification (germline): Benign. Review status: criteria provided, multiple submitters, no conflicts (2 of 4 stars). 3 submissions from 3 submitters: Benign (2). 1 of the submissions does not count toward it. Last evaluated 2026-02-02.

Conditions:
FBN3-related disorder. Also called: FBN3-related condition.

Allele frequency attached by ClinVar (database versions not stated): gnomAD exomes 0.00901 and 0.01998; ExAC 0.02321; gnomAD 0.06205 and 0.06605; ESP Exome Variant Server 0.06620; TOPMed 0.06971; 1000 Genomes Project 0.07308; 1000 Genomes Project 30x 0.07714.
gnomAD v4.1: 23,065 of 1,614,028 alleles (1.4%); highest among the groups gnomAD compares: African/African-American, 21%; 1,783 homozygotes.

Submissions (3):

Labcorp Genetics (formerly Invitae), Labcorp
Classification: Benign. Last evaluated: 2026-02-02. Review status: criteria provided, single submitter. Criteria: Invitae Variant Classification Sherloc (09022015). Collection method: clinical testing. Allele origin: germline.

Breakthrough Genomics
Classification: Benign. Review status: criteria provided, single submitter. Criteria: ACMG Guidelines, 2015. Collection method: not provided. Allele origin: germline. Inheritance: Unknown mechanism. Affected: yes.

PreventionGenetics, part of Exact Sciences
Classification: Benign for FBN3-related condition. Last evaluated: 2019-10-28. Review status: no assertion criteria provided. Collection method: clinical testing. Allele origin: germline. Not counted in ClinVar's aggregate classification.
Comment: This variant is classified as benign based on ACMG/AMP sequence variant interpretation guidelines (Richards et al. 2015 PMID: 25741868, with internal and published modifications).